The following is an entry in ClinVar:

NM_001204.7(BMPR2):c.218C>G (p.Ser73Ter)

Gene: BMPR2 (bone morphogenetic protein receptor type 2; plus strand). Cytogenetic location: 2q33.1.
Variant type: single nucleotide variant.
Coding change: c.218C>G on transcript NM_001204.7 (MANE Select); coding-DNA position 218, C replaced by G.
Protein change: p.Ser73Ter; replaces serine 73 with a stop codon.
Molecular consequence: nonsense.
Genome position (GRCh38, 1-based): chr2:202,464,950, C>G. VCF-style: chr2-202464950-C-G. GRCh37 (hg19) VCF-style: chr2-203329673-C-G.
Other names: NM_001204.7(BMPR2):c.218C>G; p.Ser73Ter; c.218C>G, p.Ser73Ter (LRG_712t1); short protein forms S73*.
Identifiers: ClinVar variation 8797 (VCV000008797.5), dbSNP rs137852742, ClinGen allele CA278072.

ClinVar aggregate classification (germline): Pathogenic. Review status: reviewed by expert panel (3 of 4 stars). 4 submissions from 4 submitters: Pathogenic (1). 3 of the submissions do not count toward it. Last evaluated 2024-05-03.

Conditions:
Pulmonary arterial hypertension. Identifiers: Orphanet 182090, MedGen C2973725, MeSH D000081029, MONDO:0015924, HP:0002092.
Pulmonary hypertension, primary, 1 (PPH1). Also called: Pulmonary hypertension, familial primary, 1, with or without HHT. Identifiers: Orphanet 422, MedGen C4552070, MONDO:0024533, OMIM 178600.

Submissions (4):

Clingen Pulmonary Hypertension Variant Curation Expert Panel, ClinGen
Classification: Pathogenic for Pulmonary arterial hypertension. Last evaluated: 2024-05-03. Review status: reviewed by expert panel. Criteria: ClinGen PH ACMG Specifications BMPR2 V1.1.0. Collection method: curation. Allele origin: germline. Inheritance: Autosomal dominant inheritance.
Comment: The c.218C>G, (p.Ser73Ter) (NM_001204.7) variant in BMPR2 is a nonsense variant predicted to cause a premature stop codon in biologically-relevant-exon 2 leading to nonsense mediated decay in a gene in which loss-of-function is an established disease mechanism (PVS1; PMID: 16429395). This variant has been reported in 2 pulmonary arterial hypertension probands (PS4_Supporting) (PMID: 26387786 ; PMID: 32581362). This variant is absent from gnomAD v2.1.1 controls (PM2_Supporting). In summary, this variant meets the criteria to be classified as pathogenic for pulmonary arterial hypertension based on the ACMG/AMP criteria applied, as specified by the ClinGen Pulmonary Hypertension VCEP (specification version 11, 1/18/2024): PVS1, PS4_Supporting, PM2_Supporting.

GeneDx
Classification: Pathogenic. Last evaluated: 2025-06-11. Review status: criteria provided, single submitter. Criteria: GeneDx Variant Classification Process June 2021. Collection method: clinical testing. Allele origin: germline. Affected: yes. Not counted in ClinVar's aggregate classification.
Comment: Identified in patients with pulmonary arterial hypertension in published literature (PMID: 10973254, 16717148); Nonsense variant predicted to result in protein truncation or nonsense mediated decay in a gene for which loss of function is a known mechanism of disease; Not observed at significant frequency in large population cohorts (gnomAD); This variant is associated with the following publications: (PMID: 32581362, 39649591, 10973254, 16717148)

OMIM
Classification: Pathogenic for PULMONARY HYPERTENSION, PRIMARY, 1. Last evaluated: 2000-09-01. Review status: no assertion criteria provided. Collection method: literature only. Allele origin: germline. Not counted in ClinVar's aggregate classification.

NIHR Bioresource Rare Diseases, University of Cambridge
Classification: Pathogenic for Pulmonary arterial hypertension. Review status: no assertion criteria provided. Collection method: research. Allele origin: unknown. Affected: yes. Observed: 1 variant allele. Not counted in ClinVar's aggregate classification.

Literature cited by the submitters: PubMed 10973254 (cited by OMIM); PubMed 32581362 (cited by NIHR Bioresource Rare Diseases, University of Cambridge).